The following is an entry in ClinVar:

ClinVar aggregate classification (germline): Uncertain significance (1 of 4 stars; one submission).

gnomAD v4.1: 1 of 1,592,380 alleles (0.000063%); highest among the groups gnomAD compares: African/African-American, 0.0013%; no homozygotes.

Submission:

Labcorp Genetics (formerly Invitae), Labcorp
Classification: Uncertain significance. Last evaluated: 2024-10-08. Review status: criteria provided, single submitter. Criteria: Invitae Variant Classification Sherloc (09022015). Collection method: clinical testing. Allele origin: germline.
Comment: This sequence change affects codon 75 of the PDE10A mRNA. It is a 'silent' change, meaning that it does not change the encoded amino acid sequence of the PDE10A protein. This variant also falls at the last nucleotide of exon 3, which is part of the consensus splice site for this exon. This variant is not present in population databases (gnomAD no frequency). This variant has not been reported in the literature in individuals affected with PDE10A-related conditions. ClinVar contains an entry for this variant (Variation ID: 1360027). Variants that disrupt the consensus splice site are a relatively common cause of aberrant splicing (PMID: 17576681, 9536098). Algorithms developed to predict the effect of sequence changes on RNA splicing suggest that this variant is not likely to affect RNA splicing. In summary, the available evidence is currently insufficient to determine the role of this variant in disease. Therefore, it has been classified as a Variant of Uncertain Significance.

Literature cited by the submitters: PubMed 17576681; PubMed 9536098.

NM_001385079.1(PDE10A):c.1023G>A (p.Arg341=)

Gene: PDE10A (phosphodiesterase 10A; minus strand). Cytogenetic location: 6q27.
Variant type: single nucleotide variant.
Coding change: c.1023G>A on transcript NM_001385079.1 (MANE Select); coding-DNA position 1023, G replaced by A.
Protein change: p.Arg341=; no amino-acid change (arginine 341 retained).
Molecular consequence: synonymous variant.
Genome position (GRCh38, 1-based): chr6:165,482,315, C>T on the plus strand (G>A on the coding strand, the complement: PDE10A is on the minus strand). VCF-style: chr6-165482315-C-T. GRCh37 (hg19) VCF-style: chr6-165895803-C-T.
Other names: c.225G>A, p.Arg75= (NM_001130690.3); c.195G>A, p.Arg65= (NM_006661.4).
Identifiers: ClinVar variation 1360027 (VCV001360027.8), dbSNP rs2128281155, ClinGen allele CA453231605.
Genomic context (GRCh38, chr6:165,482,315, plus strand): 5'-TAAACAAAACAGATTCATTTCCTATACTGCAGTAGTAGAAATAATATTCACATCACTTAC[C>T]CTGCTGACTTCCTTAGGAGCTGATTCATCTGGGGATAGAGAAGGAAGAGGGAAAAACACA-3'
Protein context (NP_001372008.1, residues 331-351): EDESAPKEVS[Arg341=]YQDTNMQGVV